The following is an entry in ClinVar:

NM_014009.4(FOXP3):c.80G>A (p.Arg27Lys)

Gene: FOXP3 (forkhead box P3; minus strand). Cytogenetic location: Xp11.23.
Variant type: single nucleotide variant.
Coding change: c.80G>A on transcript NM_014009.4 (MANE Select); coding-DNA position 80, G replaced by A.
Protein change: p.Arg27Lys; replaces arginine 27 with lysine.
Molecular consequence: missense variant.
Genome position (GRCh38, 1-based): chrX:49,258,426, C>T on the plus strand (G>A on the coding strand, the complement: FOXP3 is on the minus strand). VCF-style: chrX-49258426-C-T. GRCh37 (hg19) VCF-style: chrX-49114883-C-T.
Other names: c.80G>A, p.Arg27Lys (NM_001114377.2); short protein forms R27K.
Identifiers: ClinVar variation 1060033 (VCV001060033.9), dbSNP rs2147949688, ClinGen allele CA412954240.
Genomic context (GRCh38, chrX:49,258,426, plus strand): 5'-CCCTGGAAGGTTCCCCCTGGGCCCCGGGCCCCCAGCAGGTCTGAGGCTTTGGGTGCAGCC[C>T]TCCAGCTGGGCGAGGCTCCTGGGGATGGGCCAAGGGCCAAGGAAGGGGCCGAGGGCTTGC-3'
Protein context (NP_054728.2, residues 17-37): GPSPGASPSW[Arg27Lys]AAPKASDLLG

ClinVar aggregate classification (germline): Uncertain significance (1 of 4 stars; one submission).

Conditions:
Insulin-dependent diabetes mellitus secretory diarrhea syndrome (IPEX). Also called: Immunodysregulation, polyendocrinopathy, and enteropathy, X-linked; X-Linked Autoimmunity-Allergic Dysregulation Syndrome; Immune dysregulation-polyendocrinopathy-enteropathy-X-linked syndrome; IMMUNODEFICIENCY, POLYENDOCRINOPATHY, AND ENTEROPATHY, X-LINKED; DIABETES MELLITUS, CONGENITAL INSULIN-DEPENDENT, WITH FATAL SECRETORY DIARRHEA; DIARRHEA, POLYENDOCRINOPATHY, FATAL INFECTION SYNDROME, X-LINKED. Identifiers: Orphanet 37042, MedGen C0342288, MONDO:0010580, OMIM 304790. Disease mechanism: loss of function.

Submission:

Labcorp Genetics (formerly Invitae), Labcorp
Classification: Uncertain significance for Insulin-dependent diabetes mellitus secretory diarrhea syndrome. Last evaluated: 2020-10-01. Review status: criteria provided, single submitter. Criteria: Invitae Variant Classification Sherloc (09022015). Collection method: clinical testing. Allele origin: germline.
Comment: This sequence change replaces arginine with lysine at codon 27 of the FOXP3 protein (p.Arg27Lys). The arginine residue is weakly conserved and there is a small physicochemical difference between arginine and lysine. In summary, the available evidence is currently insufficient to determine the role of this variant in disease. Therefore, it has been classified as a Variant of Uncertain Significance. Advanced modeling of protein sequence and biophysical properties (such as structural, functional, and spatial information, amino acid conservation, physicochemical variation, residue mobility, and thermodynamic stability) performed at Invitae indicates that this missense variant is not expected to disrupt FOXP3 protein function. This variant has not been reported in the literature in individuals with FOXP3-related conditions. This variant is not present in population databases (ExAC no frequency).